The following is an entry in ClinVar:

NM_003482.4(KMT2D):c.511C>T (p.Arg171Cys)

Gene: KMT2D (lysine methyltransferase 2D; minus strand). Cytogenetic location: 12q13.12.
Variant type: single nucleotide variant.
Coding change: c.511C>T on transcript NM_003482.4 (MANE Select); coding-DNA position 511, C replaced by T.
Protein change: p.Arg171Cys; replaces arginine 171 with cysteine.
Molecular consequence: missense variant.
Genome position (GRCh38, 1-based): chr12:49,054,140, G>A on the plus strand (C>T on the coding strand, the complement: KMT2D is on the minus strand). VCF-style: chr12-49054140-G-A. GRCh37 (hg19) VCF-style: chr12-49447923-G-A.
Other names: short protein forms R171C.
Identifiers: ClinVar variation 2183574 (VCV002183574.6), dbSNP rs770105193, ClinGen allele CA236623461.
Genomic context (GRCh38, chr12:49,054,140, plus strand): 5'-GTGGACATCCAGGTGAGCGGCAAGGGATGGAGGCACCGAGCCTGGTGCAGTGGGAGCAGC[G>A]CTGCCAGGGTGAAAAAAGAGCCTCAGTGTCAGCCAGCTCTCCCCAGACAAACAGTTCAGG-3'
Protein context (NP_003473.3, residues 161-181): DKAIFSGISQ[Arg171Cys]CSHCTRLGAS

ClinVar aggregate classification (germline): Conflicting classifications of pathogenicity. Review status: criteria provided, conflicting classifications (1 of 4 stars). 3 submissions from 3 submitters: Uncertain significance (2); Likely benign (1). Last evaluated 2025-11-03.

Conditions:
Choanal atresia-athelia-hypothyroidism-delayed puberty-short stature syndrome (BCAHH). Also called: BRANCHIAL ARCH ABNORMALITIES, CHOANAL ATRESIA, ATHELIA, HEARING LOSS, AND HYPOTHYROIDISM SYNDROME. Identifiers: Orphanet 589856, MedGen C5680310, MONDO:0035651, OMIM 620186.
Kabuki syndrome 1 (KABUK1). Also called: KMT2D-Related Kabuki Syndrome. Identifiers: Orphanet 2322, MedGen CN030661, MONDO:0007843, OMIM 147920.
Kabuki syndrome. Also called: NIIKAWA-KUROKI SYNDROME; Kabuki make-up syndrome. Identifiers: Orphanet 2322, MedGen C0796004, MONDO:0016512.
KMT2D-related disorder. Also called: KMT2D-Related Disorders.

Allele frequency attached by ClinVar (database versions not stated): gnomAD 0.00001; TOPMed 0.00002.
gnomAD v4.1: 24 of 1,597,720 alleles (0.0015%); highest among the groups gnomAD compares: Non-Finnish European, 0.002%; no homozygotes.

Submissions (3):

PreventionGenetics, part of Exact Sciences
Classification: Likely benign for KMT2D-related condition. Last evaluated: 2025-11-03. Review status: criteria provided, single submitter. Criteria: ACMG Guidelines, 2015. Collection method: clinical testing. Allele origin: germline.
Comment: This variant is classified as likely benign based on ACMG/AMP sequence variant interpretation guidelines (Richards et al. 2015 PMID: 25741868, with internal and published modifications).

Labcorp Genetics (formerly Invitae), Labcorp
Classification: Uncertain significance for Kabuki syndrome. Last evaluated: 2024-10-28. Review status: criteria provided, single submitter. Criteria: Invitae Variant Classification Sherloc (09022015). Collection method: clinical testing. Allele origin: germline.
Comment: This sequence change replaces arginine, which is basic and polar, with cysteine, which is neutral and slightly polar, at codon 171 of the KMT2D protein (p.Arg171Cys). This variant is not present in population databases (gnomAD no frequency). This variant has not been reported in the literature in individuals affected with KMT2D-related conditions. ClinVar contains an entry for this variant (Variation ID: 2183574). Experimental studies and prediction algorithms are not available or were not evaluated, and the functional significance of this variant is currently unknown. In summary, the available evidence is currently insufficient to determine the role of this variant in disease. Therefore, it has been classified as a Variant of Uncertain Significance.

Fulgent Genetics
Classification: Uncertain significance for Kabuki syndrome 1; Choanal atresia-athelia-hypothyroidism-delayed puberty-short stature syndrome. Last evaluated: 2024-03-01. Review status: criteria provided, single submitter. Criteria: ACMG Guidelines, 2015. Collection method: clinical testing. Allele origin: germline.